The following is an entry in ClinVar:

ClinVar aggregate classification (germline): Uncertain significance. Review status: criteria provided, multiple submitters, no conflicts (2 of 4 stars). 2 submissions from 2 submitters: Uncertain significance (2). Last evaluated 2022-11-22.

Conditions:
Inborn genetic diseases. Identifiers: MedGen C0950123, MeSH D030342.

Allele frequency attached by ClinVar (database versions not stated): TOPMed below 0.00001; ExAC 0.00001; gnomAD 0.00001 and 0.00002; gnomAD exomes 0.00001; 1000 Genomes Project 0.00026; 1000 Genomes Project 30x 0.00042.
gnomAD v4.1: 2 of 1,188,830 alleles (0.00017%); highest among the groups gnomAD compares: Admixed American, 0.0044%; no homozygotes.

Submissions (2):

Labcorp Genetics (formerly Invitae), Labcorp
Classification: Uncertain significance. Last evaluated: 2022-11-22. Review status: criteria provided, single submitter. Criteria: Invitae Variant Classification Sherloc (09022015). Collection method: clinical testing. Allele origin: germline.
Comment: In summary, the available evidence is currently insufficient to determine the role of this variant in disease. Therefore, it has been classified as a Variant of Uncertain Significance. Advanced modeling of protein sequence and biophysical properties (such as structural, functional, and spatial information, amino acid conservation, physicochemical variation, residue mobility, and thermodynamic stability) performed at Invitae indicates that this missense variant is not expected to disrupt CACNA1F protein function. ClinVar contains an entry for this variant (Variation ID: 1004019). This variant has not been reported in the literature in individuals affected with CACNA1F-related conditions. This variant is present in population databases (rs781901855, gnomAD 0.004%). This sequence change replaces valine, which is neutral and non-polar, with leucine, which is neutral and non-polar, at codon 1509 of the CACNA1F protein (p.Val1509Leu).

Ambry Genetics
Classification: Uncertain significance for Inborn genetic diseases. Last evaluated: 2021-09-17. Review status: criteria provided, single submitter. Criteria: Ambry Variant Classification Scheme 2023. Collection method: clinical testing. Allele origin: germline.

NM_001256789.3(CACNA1F):c.4492G>C (p.Val1498Leu)

Genes: CACNA1F (calcium voltage-gated channel subunit alpha1 F; minus strand), LOC126863257 (BRD4-independent group 4 enhancer GRCh37_chrX:49065732-49066931; plus strand). Cytogenetic location: Xp11.23.
Variant type: single nucleotide variant.
Coding change: c.4492G>C on transcript NM_001256789.3 (MANE Select); coding-DNA position 4492, G replaced by C.
Protein change: p.Val1498Leu; replaces valine 1498 with leucine.
Molecular consequence: missense variant.
Genome position (GRCh38, 1-based): chrX:49,210,397, C>G on the plus strand (G>C on the coding strand, the complement: CACNA1F is on the minus strand). VCF-style: chrX-49210397-C-G. GRCh37 (hg19) VCF-style: chrX-49066857-C-G.
Other names: c.4525G>C (NM_005183.2); c.4330G>C, p.Val1444Leu (NM_001256790.3); c.4525G>C, p.Val1509Leu (NM_005183.4); short protein forms V1444L, V1498L, V1509L.
Identifiers: ClinVar variation 1004019 (VCV001004019.12), dbSNP rs781901855, ClinGen allele CA10410177.